The following is an entry in ClinVar:

NM_024301.5(FKRP):c.-272GGC[3]

Genes: FKRP (fukutin related protein; plus strand), STRN4 (striatin 4; minus strand), LOC130064775 (ATAC-STARR-seq lymphoblastoid silent region 10825; plus strand). Cytogenetic location: 19q13.32.
Variant type: Microsatellite.
Coding change: c.-272GGC[3] on transcript NM_024301.5 (MANE Select); three copies in a row of the 3-base unit GGC starting at c.-272; the reference has five copies in a row; two copies, 6 bases deleted.
Molecular consequence: 5 prime UTR variant. On other transcripts: intron variant (2).
Genome position (GRCh38, 1-based): chr19:46,746,080-46,746,085, GGCGGC deleted; deleting any 6 consecutive bases within chr19:46,746,071-46,746,085 gives the same sequence; the position shown is the placement nearest the transcript's 3' end. VCF-style (leftmost placement, unchanged base first): chr19-46746070-TGGCGGC-T. GRCh37 (hg19) VCF-style: chr19-47249327-TGGCGGC-T.
Other names: c.-324GGC[3] (NM_001039885.3); c.282+64GCC[3] (NM_013403.3, NM_001039877.2).
Identifiers: ClinVar variation 518044 (VCV000518044.2), dbSNP rs995093352, ClinGen allele CA309093687.

ClinVar aggregate classification (germline): Likely benign (1 of 4 stars; one submission).

Submission:

GeneDx
Classification: Likely benign. Last evaluated: 2017-07-21. Review status: criteria provided, single submitter. Criteria: GeneDx Variant Classification (06012015). Collection method: clinical testing. Allele origin: germline. Affected: yes.
Comment: This variant is considered likely benign or benign based on one or more of the following criteria: it is a conservative change, it occurs at a poorly conserved position in the protein, it is predicted to be benign by multiple in silico algorithms, and/or has population frequency not consistent with disease.